The following is an entry in ClinVar:

NM_015557.3(CHD5):c.3644C>T (p.Pro1215Leu)

Gene: CHD5 (chromodomain helicase DNA binding protein 5; minus strand). Cytogenetic location: 1p36.31.
Variant type: single nucleotide variant.
Coding change: c.3644C>T on transcript NM_015557.3 (MANE Select); coding-DNA position 3644, C replaced by T.
Protein change: p.Pro1215Leu; replaces proline 1215 with leucine.
Molecular consequence: missense variant.
Genome position (GRCh38, 1-based): chr1:6,128,585, G>A on the plus strand (C>T on the coding strand, the complement: CHD5 is on the minus strand). VCF-style: chr1-6128585-G-A. GRCh37 (hg19) VCF-style: chr1-6188645-G-A.
Other names: c.3644C>T (NM_015557.2); short protein forms P1215L.
Identifiers: ClinVar variation 3362738 (VCV003362738.2).

ClinVar aggregate classification (germline): Uncertain significance. Review status: criteria provided, multiple submitters, no conflicts (2 of 4 stars). 2 submissions from 2 submitters: Uncertain significance (2). Last evaluated 2025-12-11.

Conditions:
Parenti-mignot neurodevelopmental syndrome. Identifiers: MedGen C5676984, MONDO:0859249, OMIM 619873.
Inborn genetic diseases. Identifiers: MedGen C0950123, MeSH D030342.

Submissions (2):

Ambry Genetics
Classification: Uncertain significance for Inborn genetic diseases. Last evaluated: 2025-12-11. Review status: criteria provided, single submitter. Criteria: Ambry Variant Classification Scheme 2023. Collection method: clinical testing. Allele origin: germline.
Comment: The c.3644C>T (p.P1215L) alteration is located in exon 24 (coding exon 24) of the CHD5 gene. This alteration results from a C to T substitution at nucleotide position 3644, causing the proline (P) at amino acid position 1215 to be replaced by a leucine (L). Based on data from gnomAD, the T allele has an overall frequency of <0.001% (1/250854) total alleles studied. The highest observed frequency was 0.001% (1/113364) of European (non-Finnish) alleles. Based on insufficient or conflicting evidence, the clinical significance of this alteration remains unclear.

Genomic Medicine Center of Excellence, King Faisal Specialist Hospital and Research Centre
Classification: Uncertain significance for Parenti-mignot neurodevelopmental syndrome. Last evaluated: 2024-09-22. Review status: criteria provided, single submitter. Criteria: ACMG Guidelines, 2015. Collection method: clinical testing. Allele origin: germline.